The following is an entry in ClinVar:

ClinVar aggregate classification (germline): Pathogenic. Review status: criteria provided, multiple submitters, no conflicts (2 of 4 stars). 2 submissions from 2 submitters: Pathogenic (2). Last evaluated 2025-02-07.

Conditions:
Familial cancer of breast. Also called: Hereditary breast cancer; BREAST CANCER, FAMILIAL; hereditary breast carcinoma. Identifiers: Orphanet 227535, MedGen C0346153, MONDO:0016419, OMIM 114480. Disease mechanism: loss of function.
Ataxia-telangiectasia syndrome (AT). Also called: Ataxia telangiectasia (A-T); Ataxia-telangiectasia, complementation group D; Ataxia-telangiectasia, complementation group E; LOUIS-BAR SYNDROME; Cerebello-oculocutaneous telangiectasia; Immunodeficiency with ataxia telangiectasia. Identifiers: Orphanet 100, MedGen C0004135, MONDO:0008840, OMIM 208900.

Submissions (2):

Women's Health and Genetics/Laboratory Corporation of America, LabCorp
Classification: Pathogenic for Ataxia-telangiectasia syndrome. Last evaluated: 2025-02-07. Review status: criteria provided, single submitter. Criteria: LabCorp Variant Classification Summary - May 2015. Collection method: clinical testing. Allele origin: germline.
Comment: Variant summary: ATM c.3310dupT (p.Ser1104PhefsX18) results in a premature termination codon, predicted to cause a truncation of the encoded protein or absence of the protein due to nonsense mediated decay, which are commonly known mechanisms for disease. The variant was absent in 248880 control chromosomes (gnomAD). To our knowledge, no occurrence of c.3310dupT in individuals affected with Ataxia-Telangiectasia and no experimental evidence demonstrating its impact on protein function have been reported. ClinVar contains an entry for this variant (Variation ID: 3148624). Based on the evidence outlined above, the variant was classified as pathogenic.

Myriad Genetics, Inc.
Classification: Pathogenic for Familial cancer of breast. Last evaluated: 2024-01-19. Review status: criteria provided, single submitter. Criteria: Myriad Autosomal Dominant, Autosomal Recessive and X-Linked Classification Criteria (2023). Collection method: clinical testing. Allele origin: unknown.
Comment: This variant is considered pathogenic. This variant creates a frameshift predicted to result in premature protein truncation.

NM_000051.4(ATM):c.3310dup (p.Ser1104fs)

Gene: ATM (ATM serine/threonine kinase; plus strand). Cytogenetic location: 11q22.3.
Variant type: Duplication.
Coding change: c.3310dup on transcript NM_000051.4 (MANE Select); coding-DNA position 3310, one base duplicated (T; older notation c.3310dupT).
Protein change: p.Ser1104fs; shifts the reading frame from serine 1104.
Molecular consequence: frameshift variant.
Genome position (GRCh38, 1-based): chr11:108,279,516, T duplicated; the last of 2 consecutive T bases (chr11:108,279,515-108,279,516); duplicating either gives the same sequence. VCF-style (leftmost placement, unchanged base first): chr11-108279514-A-AT. GRCh37 (hg19) VCF-style: chr11-108150241-A-AT.
Other names: c.3310dupT (NM_000051.4); c.3310dup, p.Ser1104fs (NM_001351834.2); short protein forms S1104fs.
Identifiers: ClinVar variation 3148624 (VCV003148624.2), dbSNP rs2135642944, ClinGen allele CA2825001827.